The following is an entry in ClinVar:

NM_000237.3(LPL):c.818A>G (p.His273Arg)

Gene: LPL (lipoprotein lipase; plus strand). Cytogenetic location: 8p21.3.
Variant type: single nucleotide variant.
Coding change: c.818A>G on transcript NM_000237.3 (MANE Select); coding-DNA position 818, A replaced by G.
Protein change: p.His273Arg; replaces histidine 273 with arginine.
Molecular consequence: missense variant.
Genome position (GRCh38, 1-based): chr8:19,955,883, A>G. VCF-style: chr8-19955883-A-G. GRCh37 (hg19) VCF-style: chr8-19813394-A-G.
Other names: c.818A>G (NM_000237.2); short protein forms H273R.
Identifiers: ClinVar variation 2136643 (VCV002136643.7), dbSNP rs773407951, ClinGen allele CA4655542.

ClinVar aggregate classification (germline): Likely pathogenic. Review status: criteria provided, multiple submitters, no conflicts (2 of 4 stars). 4 submissions from 4 submitters: Likely pathogenic (4). Last evaluated 2025-11-17.

Conditions:
Hyperlipoproteinemia, type I. Also called: Familial hyperlipo-proteinemia type 1; Hyperlipemia essential familial; HYPERLIPOPROTEINEMIA, TYPE IA; LPL DEFICIENCY; Hyperlipoproteinemia type 1; Hyperchylomicro-nemia familial. Identifiers: Orphanet 309015, Orphanet 444490, MedGen C0023817, MONDO:0009387, OMIM 238600. Disease mechanism: loss of function.

Allele frequency attached by ClinVar (database versions not stated): TOPMed below 0.00001; gnomAD 0.00001.
gnomAD v4.1: 10 of 1,614,088 alleles (0.00062%); highest among the groups gnomAD compares: Middle Eastern, 0.016%; no homozygotes.

Submissions (4):

Natera, Inc.
Classification: Likely pathogenic for Lipoprotein lipase deficiency. Last evaluated: 2025-11-17. Review status: criteria provided, single submitter. Criteria: Natera Variant Classification Schema (03/2026). Collection method: clinical testing. Allele origin: germline.
Comment: The c.818A>G variant in LPL is a missense variant predicted to cause substitution of histidine to arginine at amino acid 273. This variant is rare in the general population with a frequency below the threshold expected for the associated phenotype(s). This variant has been observed in one or more individuals affected with the associated recessive disease, as either homozygous or compound heterozygous with a second variant (PMID: 24291057). Functional studies show that this variant may disrupt protein function (PMID: 24291057). Computational prediction algorithms indicate this variant is likely to affect gene or protein function. Given the available evidence, this variant is classified as Likely Pathogenic.

Women's Health and Genetics/Laboratory Corporation of America, LabCorp
Classification: Likely pathogenic for Hyperlipoproteinemia, type I. Last evaluated: 2024-11-13. Review status: criteria provided, single submitter. Criteria: LabCorp Variant Classification Summary - May 2015. Collection method: clinical testing. Allele origin: germline.
Comment: Variant summary: LPL c.818A>G (p.His273Arg) results in a non-conservative amino acid change located in the Lipase domain (IPR013818) of the encoded protein sequence. Four of four in-silico tools predict a damaging effect of the variant on protein function. The variant allele was found at a frequency of 1.6e-05 in 251314 control chromosomes. c.818A>G has been reported in the literature in at-least one individual affected with Familial Lipoprotein Lipase Deficiency (example, Rodrigues_2016, Martin-Campos_2014). At least one publication reports experimental evidence evaluating an impact on protein function. The most pronounced variant effect results in almost diminished normal activity in COS1 cells (Martin-Campos_2014). The following publications have been ascertained in the context of this evaluation (PMID: 24291057, 27055971). The following publications have been ascertained in the context of this evaluation (PMID: 36325899, 24291057, 27055971). ClinVar contains an entry for this variant (Variation ID: 2136643). Based on the evidence outlined above, the variant was classified as likely pathogenic.

Labcorp Genetics (formerly Invitae), Labcorp
Classification: Likely pathogenic. Last evaluated: 2023-05-01. Review status: criteria provided, single submitter. Criteria: Invitae Variant Classification Sherloc (09022015). Collection method: clinical testing. Allele origin: germline.
Comment: Advanced modeling of protein sequence and biophysical properties (such as structural, functional, and spatial information, amino acid conservation, physicochemical variation, residue mobility, and thermodynamic stability) performed at Invitae indicates that this missense variant is not expected to disrupt LPL protein function. ClinVar contains an entry for this variant (Variation ID: 2136643). This missense change has been observed in individual(s) with clinical features of chylomicronemia (PMID: 24291057; Invitae). In at least one individual the data is consistent with being in trans (on the opposite chromosome) from a pathogenic variant. This variant is present in population databases (rs773407951, gnomAD 0.006%). This sequence change replaces histidine, which is basic and polar, with arginine, which is basic and polar, at codon 273 of the LPL protein (p.His273Arg). Experimental studies have shown that this missense change affects LPL function (PMID: 24291057). In summary, the currently available evidence indicates that the variant is pathogenic, but additional data are needed to prove that conclusively. Therefore, this variant has been classified as Likely Pathogenic.

3billion
Classification: Likely pathogenic for Hyperlipoproteinemia, type I. Review status: criteria provided, single submitter. Criteria: ACMG Guidelines, 2015. Collection method: clinical testing. Allele origin: unknown. Affected: yes. Observed: 1 heterozygote.
Comment: The variant is observed at an extremely low frequency in the gnomAD v2.1.1 dataset (total allele frequency: 0.002%). The variant is located in a mutational hot spot and/or well-established functional domain in which established pathogenic variants have been reported. Functional studies provide moderate evidence of the variant having a damaging effect on the gene or gene product (PMID: 24291057). In silico tool predictions suggest damaging effect of the variant on gene or gene product (REVEL: 0.91; 3Cnet: 0.75). Same nucleotide change resulting in same amino acid change has been previously reported to be associated with LPL related disorder (PMID: 24291057). Therefore, this variant is classified as Likely pathogenic according to the recommendation of ACMG/AMP guideline.

Literature cited by the submitters: PubMed 24291057 (cited by 4 submitters); PubMed 27055971 (cited by Women's Health and Genetics/Laboratory Corporation of America, LabCorp); PubMed 36325899 (cited by Women's Health and Genetics/Laboratory Corporation of America, LabCorp).